The following is an entry in ClinVar:

NM_001369.3(DNAH5):c.7534C>G (p.Pro2512Ala)

Gene: DNAH5 (dynein axonemal heavy chain 5; minus strand). Cytogenetic location: 5p15.2.
Variant type: single nucleotide variant.
Coding change: c.7534C>G on transcript NM_001369.3 (MANE Select); coding-DNA position 7534, C replaced by G.
Protein change: p.Pro2512Ala; replaces proline 2512 with alanine.
Molecular consequence: missense variant.
Genome position (GRCh38, 1-based): chr5:13,810,134, G>C on the plus strand (C>G on the coding strand, the complement: DNAH5 is on the minus strand). VCF-style: chr5-13810134-G-C. GRCh37 (hg19) VCF-style: chr5-13810243-G-C.
Other names: short protein forms P2512A.
Identifiers: ClinVar variation 933630 (VCV000933630.7), dbSNP rs1760398139, ClinGen allele CA359231831.

ClinVar aggregate classification (germline): Uncertain significance (1 of 4 stars; one submission).

Conditions:
Primary ciliary dyskinesia. Also called: Ciliary dyskinesia. Identifiers: Orphanet 244, MedGen C0008780, MONDO:0016575, HP:0012265.

Allele frequency attached by ClinVar (database versions not stated): TOPMed below 0.00001.

Submission:

Labcorp Genetics (formerly Invitae), Labcorp
Classification: Uncertain significance for Primary ciliary dyskinesia. Last evaluated: 2021-08-26. Review status: criteria provided, single submitter. Criteria: Invitae Variant Classification Sherloc (09022015). Collection method: clinical testing. Allele origin: germline.
Comment: This sequence change replaces proline with alanine at codon 2512 of the DNAH5 protein (p.Pro2512Ala). The proline residue is weakly conserved and there is a small physicochemical difference between proline and alanine. The frequency data for this variant in the population databases is considered unreliable, as metrics indicate insufficient coverage at this position in the ExAC database. This variant has not been reported in the literature in individuals affected with DNAH5-related conditions. Algorithms developed to predict the effect of missense changes on protein structure and function output the following: SIFT: "Tolerated"; PolyPhen-2: "Benign"; Align-GVGD: "Class C0". The alanine amino acid residue is found in multiple mammalian species, which suggests that this missense change does not adversely affect protein function. In summary, the available evidence is currently insufficient to determine the role of this variant in disease. Therefore, it has been classified as a Variant of Uncertain Significance.